The following is an entry in ClinVar:

ClinVar aggregate classification (germline): Pathogenic (1 of 4 stars; one submission).

Conditions:
Osteogenesis imperfecta type I (OI1). Also called: OI, TYPE I; OSTEOGENESIS IMPERFECTA TARDA; OSTEOGENESIS IMPERFECTA WITH BLUE SCLERAE; Osteogenesis imperfecta type 1; Lobstein disease; Classic Non-deforming Osteogenesis Imperfecta with Blue Sclerae. Identifiers: Orphanet 216796, Orphanet 666, MedGen C0023931, MONDO:0008146, OMIM 166200. Disease mechanism: loss of function.

Submission:

Labcorp Genetics (formerly Invitae), Labcorp
Classification: Pathogenic for Osteogenesis imperfecta type I. Last evaluated: 2021-12-07. Review status: criteria provided, single submitter. Criteria: Invitae Variant Classification Sherloc (09022015). Collection method: clinical testing. Allele origin: germline.
Comment: For these reasons, this variant has been classified as Pathogenic. Algorithms developed to predict the effect of sequence changes on RNA splicing suggest that this variant may disrupt the consensus splice site. Disruption of this splice site has been observed in individuals with osteogenesis imperfecta (PMID: 25963598). This variant is not present in population databases (gnomAD no frequency). This sequence change affects a donor splice site in intron 18 of the COL1A1 gene. It is expected to disrupt RNA splicing. Variants that disrupt the donor or acceptor splice site typically lead to a loss of protein function (PMID: 16199547), and loss-of-function variants in COL1A1 are known to be pathogenic (PMID: 7942841, 9295084, 9443882).

Literature cited by the submitters: PubMed 25963598; PubMed 16199547; PubMed 7942841; PubMed 9295084; PubMed 9443882.

NM_000088.4(COL1A1):c.1200+2T>A

Gene: COL1A1 (collagen type I alpha 1 chain; minus strand). Cytogenetic location: 17q21.33.
Variant type: single nucleotide variant.
Coding change: c.1200+2T>A on transcript NM_000088.4 (MANE Select); the canonical splice donor site of the intron after coding-DNA position 1200, T replaced by A.
Molecular consequence: splice donor variant.
Genome position (GRCh38, 1-based): chr17:50,195,432, A>T on the plus strand (T>A on the coding strand, the complement: COL1A1 is on the minus strand). VCF-style: chr17-50195432-A-T. GRCh37 (hg19) VCF-style: chr17-48272793-A-T.
Identifiers: ClinVar variation 1360253 (VCV001360253.6), dbSNP rs2144576668, ClinGen allele CA400219037.
Genomic context (GRCh38, chr17:50,195,432, plus strand): 5'-GGGAAAGGGGCAGGCAGGCTGCAGGCGGCAGGAGTGGGACTGAAGCCTGGCAGGATACTT[A>T]CATTGGCACCTTTAGCACCAGGCTGTCCATCAGCACCAGGGTTTCCCTGTGGCACAGAGA-3'